The following is an entry in ClinVar:

ClinVar aggregate classification (germline): Pathogenic (1 of 4 stars; one submission).

Conditions:
Deficiency of 2-methylbutyryl-CoA dehydrogenase (ACADSB). Also called: 2-methylbutyrylglycinuria; 2-methylbutyryl-CoA dehydrogenase deficiency; SBCAD deficiency; 2-methylbutyric aciduria; Short branched-chain acyl-CoA dehydrogenase deficiency. Identifiers: Orphanet 79157, MedGen C1864912, MONDO:0012392, OMIM 610006, HP:0020147.

gnomAD v4.1: 4 of 1,614,214 alleles (0.00025%); highest among the groups gnomAD compares: East Asian, 0.0045%; no homozygotes.

Submission:

Labcorp Genetics (formerly Invitae), Labcorp
Classification: Pathogenic for Deficiency of 2-methylbutyryl-CoA dehydrogenase. Last evaluated: 2025-11-01. Review status: criteria provided, single submitter. Criteria: Invitae Variant Classification Sherloc (09022015). Collection method: clinical testing. Allele origin: germline.
Comment: This sequence change replaces leucine, which is neutral and non-polar, with proline, which is neutral and non-polar, at codon 218 of the ACADSB protein (p.Leu218Pro). This variant is present in population databases (no rsID available, gnomAD 0.02%). This missense change has been observed in individual(s) with short/branched chain acyl-CoA dehydrogenase deficiency (PMID: 31555323). In at least one individual the data is consistent with being in trans (on the opposite chromosome) from a pathogenic variant. Invitae Evidence Modeling of protein sequence and biophysical properties (such as structural, functional, and spatial information, amino acid conservation, physicochemical variation, residue mobility, and thermodynamic stability) indicates that this missense variant is expected to disrupt ACADSB protein function with a positive predictive value of 95%. For these reasons, this variant has been classified as Pathogenic.

Literature cited by the submitters: PubMed 31555323.

NM_001609.4(ACADSB):c.653T>C (p.Leu218Pro)

Gene: ACADSB (acyl-CoA dehydrogenase short/branched chain; plus strand). Cytogenetic location: 10q26.13.
Variant type: single nucleotide variant.
Coding change: c.653T>C on transcript NM_001609.4 (MANE Select); coding-DNA position 653, T replaced by C.
Protein change: p.Leu218Pro; replaces leucine 218 with proline.
Molecular consequence: missense variant.
Genome position (GRCh38, 1-based): chr10:123,041,351, T>C. VCF-style: chr10-123041351-T-C. GRCh37 (hg19) VCF-style: chr10-124800867-T-C.
Other names: c.347T>C, p.Leu116Pro (NM_001330174.3); short protein forms L116P, L218P.
Identifiers: ClinVar variation 4806895 (VCV004806895.1).